The following is an entry in ClinVar:

ClinVar aggregate classification (germline): Uncertain significance (1 of 4 stars; one submission).

Submission:

Labcorp Genetics (formerly Invitae), Labcorp
Classification: Uncertain significance. Last evaluated: 2025-09-14. Review status: criteria provided, single submitter. Criteria: Invitae Variant Classification Sherloc (09022015). Collection method: clinical testing. Allele origin: germline.
Comment: This sequence change replaces glycine, which is neutral and non-polar, with arginine, which is basic and polar, at codon 271 of the RERE protein (p.Gly271Arg). This variant is not present in population databases (gnomAD no frequency). This variant has not been reported in the literature in individuals affected with RERE-related conditions. Invitae Evidence Modeling of protein sequence and biophysical properties (such as structural, functional, and spatial information, amino acid conservation, physicochemical variation, residue mobility, and thermodynamic stability) has been performed for this missense variant. However, the output from this modeling did not meet the statistical confidence thresholds required to predict the impact of this variant on RERE protein function. In summary, the available evidence is currently insufficient to determine the role of this variant in disease. Therefore, it has been classified as a Variant of Uncertain Significance.

NM_001042681.2(RERE):c.811G>A (p.Gly271Arg)

Gene: RERE (arginine-glutamic acid dipeptide repeats; minus strand). Cytogenetic location: 1p36.23.
Variant type: single nucleotide variant.
Coding change: c.811G>A on transcript NM_001042681.2 (MANE Select); coding-DNA position 811, G replaced by A.
Protein change: p.Gly271Arg; replaces glycine 271 with arginine.
Molecular consequence: missense variant.
Genome position (GRCh38, 1-based): chr1:8,541,233, C>T on the plus strand (G>A on the coding strand, the complement: RERE is on the minus strand). VCF-style: chr1-8541233-C-T. GRCh37 (hg19) VCF-style: chr1-8601292-C-T.
Other names: c.811G>A, p.Gly271Arg (NM_012102.4); short protein forms G271R.
Identifiers: ClinVar variation 4762851 (VCV004762851.1).